The following is an entry in ClinVar:

ClinVar aggregate classification (germline): Conflicting classifications of pathogenicity. Review status: criteria provided, conflicting classifications (1 of 4 stars). 2 submissions from 2 submitters: Uncertain significance (1); Likely benign (1). Last evaluated 2025-05-10.

Conditions:
POLD1-related polyposis and colorectal cancer syndrome (CRCS10). Also called: Colorectal cancer, susceptibility to, 10; Colorectal cancer 10; COLORECTAL CANCER, SUSCEPTIBILITY TO, ON CHROMOSOME 19q. Identifiers: Orphanet 220460, MedGen C2675481, MONDO:0012953, OMIM 612591.
Hereditary cancer-predisposing syndrome. Also called: Hereditary neoplastic syndrome; Tumor predisposition; Hereditary Cancer Syndrome; Neoplastic Syndromes, Hereditary. Identifiers: Orphanet 140162, MedGen C0027672, MeSH D009386, MONDO:0015356.

Allele frequency attached by ClinVar (database versions not stated): gnomAD exomes below 0.00001; ExAC 0.00001.

Submissions (2):

Ambry Genetics
Classification: Likely benign for Hereditary cancer-predisposing syndrome. Last evaluated: 2025-05-10. Review status: criteria provided, single submitter. Criteria: Ambry Variant Classification Scheme 2023. Collection method: clinical testing. Allele origin: germline.

Labcorp Genetics (formerly Invitae), Labcorp
Classification: Uncertain significance for POLD1-related polyposis and colorectal cancer syndrome. Last evaluated: 2022-06-26. Review status: criteria provided, single submitter. Criteria: Invitae Variant Classification Sherloc (09022015). Collection method: clinical testing. Allele origin: germline.
Comment: This variant has not been reported in the literature in individuals affected with POLD1-related conditions. In summary, the available evidence is currently insufficient to determine the role of this variant in disease. Therefore, it has been classified as a Variant of Uncertain Significance. Algorithms developed to predict the effect of sequence changes on RNA splicing suggest that this variant may create or strengthen a splice site. Algorithms developed to predict the effect of missense changes on protein structure and function are either unavailable or do not agree on the potential impact of this missense change (SIFT: "Deleterious"; PolyPhen-2: "Benign"; Align-GVGD: "Class C0"). ClinVar contains an entry for this variant (Variation ID: 665554). The frequency data for this variant in the population databases is considered unreliable, as metrics indicate poor data quality at this position in the gnomAD database. This sequence change replaces histidine, which is basic and polar, with tyrosine, which is neutral and polar, at codon 565 of the POLD1 protein (p.His565Tyr).

NM_002691.4(POLD1):c.1693C>T (p.His565Tyr)

Gene: POLD1 (DNA polymerase delta 1, catalytic subunit; plus strand). Cytogenetic location: 19q13.33.
Variant type: single nucleotide variant.
Coding change: c.1693C>T on transcript NM_002691.4 (MANE Select); coding-DNA position 1693, C replaced by T.
Protein change: p.His565Tyr; replaces histidine 565 with tyrosine.
Molecular consequence: missense variant. On other transcripts: non-coding transcript variant (1).
Genome position (GRCh38, 1-based): chr19:50,407,333, C>T. VCF-style: chr19-50407333-C-T. GRCh37 (hg19) VCF-style: chr19-50910590-C-T.
Other names: c.1693C>T, p.His565Tyr (NM_001256849.1, NM_001308632.1); short protein forms H565Y.
Identifiers: ClinVar variation 665554 (VCV000665554.12), dbSNP rs773826187, ClinGen allele CA9596235.